The following is an entry in ClinVar:

ClinVar aggregate classification (germline): Benign/Likely benign. Review status: criteria provided, multiple submitters, no conflicts (2 of 4 stars). 3 submissions from 3 submitters: Benign (1); Likely benign (2). Last evaluated 2025-09-11.

Conditions:
Hereditary cancer-predisposing syndrome. Also called: Tumor predisposition; Hereditary Cancer Syndrome; Neoplastic Syndromes, Hereditary; Hereditary neoplastic syndrome. Identifiers: Orphanet 140162, MedGen C0027672, MeSH D009386, MONDO:0015356.
Familial cancer of breast. Also called: BREAST CANCER, FAMILIAL; Hereditary breast cancer; hereditary breast carcinoma. Identifiers: Orphanet 227535, MedGen C0346153, MONDO:0016419, OMIM 114480. Disease mechanism: loss of function.

Submissions (3):

Labcorp Genetics (formerly Invitae), Labcorp
Classification: Likely benign for Familial cancer of breast. Last evaluated: 2025-09-11. Review status: criteria provided, single submitter. Criteria: Invitae Variant Classification Sherloc (09022015). Collection method: clinical testing. Allele origin: germline.

Ambry Genetics
Classification: Likely benign for Hereditary cancer-predisposing syndrome. Last evaluated: 2025-06-23. Review status: criteria provided, single submitter. Criteria: Ambry Variant Classification Scheme 2023. Collection method: clinical testing. Allele origin: germline.

Myriad Genetics, Inc.
Classification: Benign for Familial cancer of breast. Last evaluated: 2025-01-17. Review status: criteria provided, single submitter. Criteria: Myriad Autosomal Dominant, Autosomal Recessive and X-Linked Classification Criteria (2023). Collection method: clinical testing. Allele origin: unknown.
Comment: This variant is considered benign. This variant is a silent/synonymous amino acid change and it is not expected to impact splicing.

NM_024675.4(PALB2):c.2703G>A (p.Leu901=)

Gene: PALB2 (partner and localizer of BRCA2; minus strand). Cytogenetic location: 16p12.2.
Variant type: single nucleotide variant.
Coding change: c.2703G>A on transcript NM_024675.4 (MANE Select); coding-DNA position 2703, G replaced by A.
Protein change: p.Leu901=; no amino-acid change (leucine 901 retained).
Molecular consequence: synonymous variant.
Genome position (GRCh38, 1-based): chr16:23,626,281, C>T on the plus strand (G>A on the coding strand, the complement: PALB2 is on the minus strand). VCF-style: chr16-23626281-C-T. GRCh37 (hg19) VCF-style: chr16-23637602-C-T.
Other names: c.2703G>A (NM_024675.3).
Identifiers: ClinVar variation 1609320 (VCV001609320.11), dbSNP rs1278315369, ClinGen allele CA494161220.
Genomic context (GRCh38, chr16:23,626,281, plus strand): 5'-GAGATTCCCACTTACCTCTGCGAAGTGCCAGGTATAAAGTTTTTCCCACTGCCAAGCATC[C>T]AGAGCTTTCCAAAGAGAAACTACATCTTCGCAAGCAGTTATGATACATGGCTCTTTACAA-3'
Protein context (NP_078951.2, residues 891-911): CEDVVSLWKA[Leu901=]DAWQWEKLYT